The following is an entry in ClinVar:

NM_000051.4(ATM):c.6172_6176del (p.Ser2058fs)

Genes: ATM (ATM serine/threonine kinase; plus strand), C11orf65 (chromosome 11 open reading frame 65; minus strand). Cytogenetic location: 11q22.3.
Variant type: Deletion.
Coding change: c.6172_6176del on transcript NM_000051.4 (MANE Select); coding-DNA positions 6172 to 6176, 5 bases deleted (TCAAC; older notation c.6172_6176delTCAAC).
Protein change: p.Ser2058fs; shifts the reading frame from serine 2058.
Molecular consequence: frameshift variant. On other transcripts: intron variant (2).
Genome position (GRCh38, 1-based): chr11:108,316,087-108,316,091, TCAAC deleted. VCF-style (leftmost placement, unchanged base first): chr11-108316086-ATCAAC-A. GRCh37 (hg19) VCF-style: chr11-108186813-ATCAAC-A.
Other names: c.6172_6176del, p.Ser2058fs (NM_001351834.2); c.641-7020_641-7016del (NM_001330368.2); c.*39-7020_*39-7016del (NM_001351110.2); short protein forms S2058fs.
Identifiers: ClinVar variation 2013147 (VCV002013147.6), dbSNP rs1348587218, ClinGen allele CA671421117.
Genomic context (GRCh38, chr11:108,316,086, plus strand): 5'-ACACGAAGCAATGTGGGGCAAAGCCCTAGTAACATATGACCTCGAAACAGCAATCCCCTC[ATCAAC>A]ACGCCAGGCAGGAATCATTCAGGTACATTTTTTCCCAGATTTGGTAAAGCCATCACTAGT-3'

ClinVar aggregate classification (germline): Pathogenic/Likely pathogenic. Review status: criteria provided, multiple submitters, no conflicts (2 of 4 stars). 3 submissions from 3 submitters: Pathogenic (2); Likely pathogenic (1). Last evaluated 2024-04-25.

Conditions:
Familial cancer of breast. Also called: BREAST CANCER, FAMILIAL; Hereditary breast cancer; hereditary breast carcinoma. Identifiers: Orphanet 227535, MedGen C0346153, MONDO:0016419, OMIM 114480. Disease mechanism: loss of function.
Ataxia-telangiectasia syndrome (AT). Also called: Ataxia-telangiectasia, complementation group D; AT, COMPLEMENTATION GROUP C; ATAXIA-TELANGIECTASIA, COMPLEMENTATION GROUP A; ATAXIA-TELANGIECTASIA, FRESNO VARIANT; Ataxia-telangiectasia, complementation group E; LOUIS-BAR SYNDROME. Identifiers: Orphanet 100, MedGen C0004135, MONDO:0008840, OMIM 208900.

Allele frequency attached by ClinVar (database versions not stated): gnomAD 0.00001; TOPMed below 0.00001.

Submissions (3):

Labcorp Genetics (formerly Invitae), Labcorp
Classification: Pathogenic for Ataxia-telangiectasia syndrome. Last evaluated: 2024-04-25. Review status: criteria provided, single submitter. Criteria: Invitae Variant Classification Sherloc (09022015). Collection method: clinical testing. Allele origin: germline.
Comment: This sequence change creates a premature translational stop signal (p.Ser2058Thrfs*28) in the ATM gene. It is expected to result in an absent or disrupted protein product. Loss-of-function variants in ATM are known to be pathogenic (PMID: 23807571, 25614872). This variant is not present in population databases (gnomAD no frequency). This variant has not been reported in the literature in individuals affected with ATM-related conditions. ClinVar contains an entry for this variant (Variation ID: 2013147). For these reasons, this variant has been classified as Pathogenic.

Myriad Genetics, Inc.
Classification: Pathogenic for Familial cancer of breast. Last evaluated: 2024-01-29. Review status: criteria provided, single submitter. Criteria: Myriad Autosomal Dominant, Autosomal Recessive and X-Linked Classification Criteria (2023). Collection method: clinical testing. Allele origin: unknown.
Comment: This variant is considered pathogenic. This variant creates a frameshift predicted to result in premature protein truncation.

Baylor Genetics
Classification: Likely pathogenic for Familial cancer of breast. Last evaluated: 2022-12-06. Review status: criteria provided, single submitter. Criteria: ACMG Guidelines, 2015. Collection method: clinical testing. Allele origin: unknown.

Literature cited by the submitters: PubMed 23807571 (cited by Labcorp Genetics (formerly Invitae), Labcorp); PubMed 25614872 (cited by Labcorp Genetics (formerly Invitae), Labcorp).